The following is an entry in ClinVar:

NM_000132.4(F8):c.1213A>T (p.Ile405Phe)

Gene: F8 (coagulation factor VIII; minus strand). Cytogenetic location: Xq28.
Variant type: single nucleotide variant.
Coding change: c.1213A>T on transcript NM_000132.4 (MANE Select); coding-DNA position 1213, A replaced by T.
Protein change: p.Ile405Phe; replaces isoleucine 405 with phenylalanine.
Molecular consequence: missense variant.
Genome position (GRCh38, 1-based): chrX:154,966,484, T>A on the plus strand (A>T on the coding strand, the complement: F8 is on the minus strand). VCF-style: chrX-154966484-T-A. GRCh37 (hg19) VCF-style: chrX-154194759-T-A.
Other names: NM_000132.3:c.1213A>T; short protein forms I405F.
Identifiers: ClinVar variation 3242379 (VCV003242379.1), dbSNP rs2523951164.

ClinVar aggregate classification (germline): Uncertain significance (3 of 4 stars; one submission).

Conditions:
Hereditary factor VIII deficiency disease (HEMA). Also called: HEMOPHILIA, CLASSIC; AUTOSOMAL HEMOPHILIA A; Hemophilia A; Hemophilia A, congenital; HEM A; Factor 8 deficiency, congenital. Identifiers: Orphanet 98878, MedGen C0019069, MONDO:0010602, OMIM 306700.

Submission:

ClinGen Coagulation Factor Deficiency Variant Curation Expert Panel, Clingen
Classification: Uncertain significance for Hereditary factor VIII deficiency disease. Last evaluated: 2024-05-09. Review status: reviewed by expert panel. Criteria: ClinGen CoagFactor ACMG Specifications F8 V1.0.0. Collection method: curation. Allele origin: germline. Inheritance: X-linked inheritance.
Comment: The variant, NM_000132.3:c.1213A>T predicts a missense change, Ile405Phe, that is absent from gnomAD v2.1.1 and v3 (PM2_Supporting). This variant has been reported in at least two patients with moderate Hemophilia A in the literature (PS4_Moderate, PMID: 10404764 and 18691168). The variant has a REVEL score of 0.927 (PP3, threshold >0.6). Another variant at the same codon, Ile405Thr, is curated by the Coagulation Factor Deficiency Variant Curation Expert Panel as likely pathogenic (PM5_Supporting). In summary, the clinical significance of this variant is uncertain. ACMG/AMP criteria applied, as specified by the Coagulation Factor Deficiency Variant Curation Expert Panel for F8: PS4_Moderate, PP3, PM2_Supporting, PM5_Supporting.